The following is an entry in ClinVar:

ClinVar aggregate classification (germline): Uncertain significance (1 of 4 stars; one submission).

Conditions:
Inborn genetic diseases. Identifiers: MedGen C0950123, MeSH D030342.

Submission:

Ambry Genetics
Classification: Uncertain significance for Inborn genetic diseases. Last evaluated: 2025-12-27. Review status: criteria provided, single submitter. Criteria: Ambry Variant Classification Scheme 2023. Collection method: clinical testing. Allele origin: germline.
Comment: The p.A195G variant (also known as c.584C>G), located in coding exon 8 of the ASXL1 gene, results from a C to G substitution at nucleotide position 584. The alanine at codon 195 is replaced by glycine, an amino acid with similar properties. This amino acid position is conserved. In addition, this alteration is predicted to be tolerated by in silico analysis. Based on the available evidence, the clinical significance of this variant remains unclear.

NM_015338.6(ASXL1):c.584C>G (p.Ala195Gly)

Gene: ASXL1 (ASXL transcriptional regulator 1; plus strand). Cytogenetic location: 20q11.21.
Variant type: single nucleotide variant.
Coding change: c.584C>G on transcript NM_015338.6 (MANE Select); coding-DNA position 584, C replaced by G.
Protein change: p.Ala195Gly; replaces alanine 195 with glycine.
Molecular consequence: missense variant. On other transcripts: intron variant (1).
Genome position (GRCh38, 1-based): chr20:32,429,919, C>G. VCF-style: chr20-32429919-C-G. GRCh37 (hg19) VCF-style: chr20-31017722-C-G.
Other names: c.535+488C>G (NM_001363734.1); short protein forms A195G.
Identifiers: ClinVar variation 4843651 (VCV004843651.1).